The following is an entry in ClinVar:

NM_001310136.2(NPIPB8):c.81T>C (p.His27=)

Gene: NPIPB8 (nuclear pore complex interacting protein family member B8; plus strand). Cytogenetic location: 16p11.2.
Variant type: single nucleotide variant.
Coding change: c.81T>C on transcript NM_001310136.2 (MANE Select); coding-DNA position 81, T replaced by C.
Protein change: p.His27=; no amino-acid change (histidine 27 retained).
Molecular consequence: synonymous variant.
Genome position (GRCh38, 1-based): chr16:28,638,441, T>C. VCF-style: chr16-28638441-T-C. GRCh37 (hg19) VCF-style: chr16-28649762-T-C.
Other names: c.81T>C, p.His27= (NM_001385922.1).
Identifiers: ClinVar variation 2646353 (VCV002646353.24), dbSNP rs536341295, ClinGen allele CA7983722.

ClinVar aggregate classification (germline): Likely benign (1 of 4 stars; one submission).

Allele frequency attached by ClinVar (database versions not stated): 1000 Genomes Project 0.00220; 1000 Genomes Project 30x 0.00265; ExAC 0.00337.
gnomAD v4.1: 2,224 of 1,572,940 alleles (0.14%); highest among the groups gnomAD compares: Middle Eastern, 1.5%; 38 homozygotes.

Submission:

CeGaT Center for Human Genetics Tuebingen
Classification: Likely benign. Last evaluated: 2022-04-01. Review status: criteria provided, single submitter. Criteria: CeGaT Center For Human Genetics Tuebingen Variant Classification Criteria Version 2. Collection method: clinical testing. Allele origin: germline. Affected: yes. Observed: 1 variant allele.
Comment: NPIPB8: BP4, BP7